The following is an entry in ClinVar:

NM_015065.3(EXPH5):c.371C>A (p.Ser124Ter)

Gene: EXPH5 (exophilin 5; minus strand). Cytogenetic location: 11q22.3.
Variant type: single nucleotide variant.
Coding change: c.371C>A on transcript NM_015065.3 (MANE Select); coding-DNA position 371, C replaced by A.
Protein change: p.Ser124Ter; replaces serine 124 with a stop codon.
Molecular consequence: nonsense.
Genome position (GRCh38, 1-based): chr11:108,539,096, G>T on the plus strand (C>A on the coding strand, the complement: EXPH5 is on the minus strand). VCF-style: chr11-108539096-G-T. GRCh37 (hg19) VCF-style: chr11-108409823-G-T.
Other names: c.143C>A, p.Ser48Ter (NM_001144763.2, NM_001441061.1, NM_001441067.1 and 8 more transcripts); c.350C>A, p.Ser117Ter (NM_001308019.2, NM_001441060.1); c.371C>A, p.Ser124Ter (NM_001441059.1); short protein forms S48*, S124*, S117*.
Identifiers: ClinVar variation 5007776 (VCV005007776.2).

ClinVar aggregate classification (germline): Likely pathogenic (1 of 4 stars; one submission).

Conditions:
Epidermolysis bullosa simplex 4, localized or generalized intermediate, autosomal recessive. Also called: Epidermolysis bullosa, nonspecific, autosomal recessive. Identifiers: Orphanet 412189, MedGen C3554367, MONDO:0014014, OMIM 615028.

Submission:

Juno Genomics, Hangzhou Juno Genomics, Inc
Classification: Likely pathogenic for Epidermolysis bullosa simplex 4, localized or generalized intermediate, autosomal recessive. Review status: criteria provided, single submitter. Criteria: ACMG Guidelines, 2015. Collection method: clinical testing. Allele origin: germline.
Comment: Null variant in a gene where loss of function (LOF) is a known mechanism of disease.;Absent from controls (or at extremely low frequency if recessive) in Genome Aggregation Database.